The following is an entry in ClinVar:

ClinVar aggregate classification (germline): Uncertain significance (1 of 4 stars; one submission).

Submission:

Labcorp Genetics (formerly Invitae), Labcorp
Classification: Uncertain significance. Last evaluated: 2025-07-01. Review status: criteria provided, single submitter. Criteria: Invitae Variant Classification Sherloc (09022015). Collection method: clinical testing. Allele origin: germline.
Comment: This sequence change creates a premature translational stop signal (p.Gly480Aspfs*7) in the TNNI3K gene. It is expected to result in an absent or disrupted protein product. However, the current clinical and genetic evidence is not sufficient to establish whether loss-of-function variants in TNNI3K cause disease. This variant is not present in population databases (gnomAD no frequency). This premature translational stop signal has been observed in individual(s) with clinical features of TNNI3K-related conditions (PMID: 32746448). ClinVar contains an entry for this variant (Variation ID: 1350296). Algorithms developed to predict the effect of sequence changes on RNA splicing suggest that this variant may disrupt the consensus splice site. In summary, the available evidence is currently insufficient to determine the role of this variant in disease. Therefore, it has been classified as a Variant of Uncertain Significance.

Literature cited by the submitters: PubMed 32746448.

NM_015978.3(TNNI3K):c.1437del (p.Gly480fs)

Genes: FPGT-TNNI3K (FPGT-TNNI3K readthrough; plus strand), TNNI3K (TNNI3 interacting kinase; plus strand). Cytogenetic location: 1p31.1.
Variant type: Deletion.
Coding change: c.1437del on transcript NM_015978.3 (MANE Select); coding-DNA position 1437, one base deleted (A; older notation c.1437delA).
Protein change: p.Gly480fs; shifts the reading frame from glycine 480.
Molecular consequence: frameshift variant.
Genome position (GRCh38, 1-based): chr1:74,369,229, A deleted; the last of 3 consecutive A bases (chr1:74,369,227-74,369,229); deleting any one gives the same sequence. VCF-style (leftmost placement, unchanged base first): chr1-74369226-TA-T. GRCh37 (hg19) VCF-style: chr1-74834910-TA-T.
Other names: c.1740del, p.Gly581fs (NM_001112808.3, NM_001199327.2); short protein forms G480fs, G581fs.
Identifiers: ClinVar variation 1350296 (VCV001350296.6), dbSNP rs1311729066, ClinGen allele CA738749503.